The following is an entry in ClinVar:

ClinVar aggregate classification (germline): Uncertain significance. Review status: criteria provided, multiple submitters, no conflicts (2 of 4 stars). 2 submissions from 2 submitters: Uncertain significance (2). Last evaluated 2025-06-19.

Conditions:
Renal cell carcinoma. Identifiers: Orphanet 217071, MedGen C0007134, MeSH D002292, MONDO:0005086, HP:0005584.
Hereditary cancer-predisposing syndrome. Also called: Hereditary neoplastic syndrome; Neoplastic Syndromes, Hereditary; Tumor predisposition; Hereditary Cancer Syndrome. Identifiers: Orphanet 140162, MedGen C0027672, MeSH D009386, MONDO:0015356.

Allele frequency attached by ClinVar (database versions not stated): gnomAD exomes below 0.00001; TOPMed below 0.00001.
gnomAD v4.1: 3 of 1,613,864 alleles (0.00019%); highest among the groups gnomAD compares: Admixed American, 0.0017%; no homozygotes.

Submissions (2):

Ambry Genetics
Classification: Uncertain significance for Hereditary cancer-predisposing syndrome. Last evaluated: 2025-06-19. Review status: criteria provided, single submitter. Criteria: Ambry Variant Classification Scheme 2023. Collection method: clinical testing. Allele origin: germline.
Comment: The p.P9L variant (also known as c.26C>T), located in coding exon 1 of the MET gene, results from a C to T substitution at nucleotide position 26. The proline at codon 9 is replaced by leucine, an amino acid with similar properties. This amino acid position is well conserved in available vertebrate species. In addition, the in silico prediction for this alteration is inconclusive. Based on the available evidence, the clinical significance of this variant remains unclear.

Labcorp Genetics (formerly Invitae), Labcorp
Classification: Uncertain significance for Renal cell carcinoma. Last evaluated: 2024-06-10. Review status: criteria provided, single submitter. Criteria: Invitae Variant Classification Sherloc (09022015). Collection method: clinical testing. Allele origin: germline.
Comment: This sequence change replaces proline, which is neutral and non-polar, with leucine, which is neutral and non-polar, at codon 9 of the MET protein (p.Pro9Leu). This variant is present in population databases (no rsID available, gnomAD 0.003%). This variant has not been reported in the literature in individuals affected with MET-related conditions. ClinVar contains an entry for this variant (Variation ID: 1006595). Advanced modeling of protein sequence and biophysical properties (such as structural, functional, and spatial information, amino acid conservation, physicochemical variation, residue mobility, and thermodynamic stability) performed at Invitae indicates that this missense variant is not expected to disrupt MET protein function with a negative predictive value of 80%. In summary, the available evidence is currently insufficient to determine the role of this variant in disease. Therefore, it has been classified as a Variant of Uncertain Significance.

NM_000245.4(MET):c.26C>T (p.Pro9Leu)

Gene: MET (MET proto-oncogene, receptor tyrosine kinase; plus strand). Cytogenetic location: 7q31.2.
Variant type: single nucleotide variant.
Coding change: c.26C>T on transcript NM_000245.4 (MANE Select); coding-DNA position 26, C replaced by T.
Protein change: p.Pro9Leu; replaces proline 9 with leucine.
Molecular consequence: missense variant. On other transcripts: intron variant (1).
Genome position (GRCh38, 1-based): chr7:116,699,110, C>T. VCF-style: chr7-116699110-C-T. GRCh37 (hg19) VCF-style: chr7-116339164-C-T.
Other names: c.26C>T, p.Pro9Leu (NM_001127500.3, NM_001324401.3); c.-91+26533C>T (NM_001324402.2); c.26C>T (NM_001127500.1); short protein forms P9L.
Identifiers: ClinVar variation 1006595 (VCV001006595.8), dbSNP rs1355886011, ClinGen allele CA368968189.